The following is an entry in ClinVar:

NM_001257293.2(HNRNPH1):c.939C>T (p.Asn313=)

Genes: HNRNPH1 (heterogeneous nuclear ribonucleoprotein H1; minus strand), LOC128966623 (uncharacterized LOC128966623; plus strand). Cytogenetic location: 5q35.3.
Variant type: single nucleotide variant.
Coding change: c.939C>T on transcript NM_001257293.2 (MANE Select); coding-DNA position 939, C replaced by T.
Protein change: p.Asn313=; no amino-acid change (asparagine 313 retained).
Molecular consequence: synonymous variant.
Genome position (GRCh38, 1-based): chr5:179,617,632, G>A on the plus strand (C>T on the coding strand, the complement: HNRNPH1 is on the minus strand). VCF-style: chr5-179617632-G-A. GRCh37 (hg19) VCF-style: chr5-179044633-G-A.
Other names: c.939C>T, p.Asn313= (NM_001363572.2, NM_001364225.2, NM_001364226.2 and 27 more transcripts); c.918C>T, p.Asn306= (NM_001364240.2, NM_001364241.2, NM_001364242.2 and 6 more transcripts); c.783C>T, p.Asn261= (NM_001364250.2); c.336C>T, p.Asn112= (NM_001364251.2, NM_001364252.2, NM_001364253.2 and 4 more transcripts); c.708C>T, p.Asn236= (NM_001395190.1); c.621C>T, p.Asn207= (NM_001395191.1, NM_001395192.1); c.528C>T, p.Asn176= (NM_001395193.1).
Identifiers: ClinVar variation 4534249 (VCV004534249.6).

ClinVar aggregate classification (germline): Likely benign (1 of 4 stars; one submission).

gnomAD v4.1: 14 of 1,613,180 alleles (0.00087%); highest among the groups gnomAD compares: Middle Eastern, 0.017%; no homozygotes.

Submission:

CeGaT Center for Human Genetics Tuebingen
Classification: Likely benign. Last evaluated: 2025-10-01. Review status: criteria provided, single submitter. Criteria: CeGaT Center For Human Genetics Tuebingen Variant Classification Criteria Version 2. Collection method: clinical testing. Allele origin: germline. Affected: yes. Observed: 1 variant allele.
Comment: HNRNPH1: BP4, BP7